The following is an entry in ClinVar:

NM_000138.5(FBN1):c.6872-9A>G

Gene: FBN1 (fibrillin 1; minus strand). Cytogenetic location: 15q21.1.
Variant type: single nucleotide variant.
Coding change: c.6872-9A>G on transcript NM_000138.5 (MANE Select); 9 bases into the intron before coding-DNA position 6872, A replaced by G.
Molecular consequence: intron variant.
Genome position (GRCh38, 1-based): chr15:48,428,480, T>C on the plus strand (A>G on the coding strand, the complement: FBN1 is on the minus strand). VCF-style: chr15-48428480-T-C. GRCh37 (hg19) VCF-style: chr15-48720677-T-C.
Identifiers: ClinVar variation 200096 (VCV000200096.14), dbSNP rs794728259, ClinGen allele CA016805.
Genomic context (GRCh38, chr15:48,428,480, plus strand): 5'-AGGCAGCGCCCATTCTCACAGATCCCTGGCTTCGTCTGACATTCATTCTCATCTGTTTGA[T>C]TTTATTGAAGGACCAAAAACAAGAAGAGTCATCTGACCATTTTATAGAGGATGGAGCTCC-3'

ClinVar aggregate classification (germline): Uncertain significance. Review status: criteria provided, multiple submitters, no conflicts (2 of 4 stars). 2 submissions from 2 submitters: Uncertain significance (2). Last evaluated 2025-06-29.

Conditions:
Marfan syndrome (MFS). Also called: Marfan syndrome, classic; FBN1-Related Marfan Syndrome; Marfan syndrome type 1; Marfan's syndrome; MARFAN SYNDROME, TYPE I. Identifiers: Orphanet 284963, Orphanet 558, MedGen C0024796, MONDO:0007947, OMIM 154700.
Familial thoracic aortic aneurysm and aortic dissection (TAAD). Also called: Thoracic aortic aneurysms and dissections. Identifiers: Orphanet 91387, MedGen C4707243, MONDO:0019625.

Submissions (2):

Labcorp Genetics (formerly Invitae), Labcorp
Classification: Uncertain significance for Marfan syndrome; Familial thoracic aortic aneurysm and aortic dissection. Last evaluated: 2025-06-29. Review status: criteria provided, single submitter. Criteria: Invitae Variant Classification Sherloc (09022015). Collection method: clinical testing. Allele origin: germline.
Comment: This sequence change falls in intron 56 of the FBN1 gene. It does not directly change the encoded amino acid sequence of the FBN1 protein. This variant is not present in population databases (gnomAD no frequency). This variant has not been reported in the literature in individuals affected with FBN1-related conditions. ClinVar contains an entry for this variant (Variation ID: 200096). Algorithms developed to predict the effect of sequence changes on RNA splicing suggest that this variant may disrupt the consensus splice site. In summary, the available evidence is currently insufficient to determine the role of this variant in disease. Therefore, it has been classified as a Variant of Uncertain Significance.

GeneDx
Classification: Uncertain significance. Last evaluated: 2022-08-22. Review status: criteria provided, single submitter. Criteria: GeneDx Variant Classification Process June 2021. Collection method: clinical testing. Allele origin: germline. Affected: yes.
Comment: Not observed at significant frequency in large population cohorts (gnomAD); In silico analysis supports a deleterious effect on splicing; Has not been previously published as pathogenic or benign to our knowledge